The following is an entry in ClinVar:

NM_006885.4(ZFHX3):c.3839A>G (p.Asp1280Gly)

Genes: ZFHX3 (zinc finger homeobox 3; minus strand), ZFHX3-AS1 (ZFHX3 antisense RNA 1; plus strand). Cytogenetic location: 16q22.3.
Variant type: single nucleotide variant.
Coding change: c.3839A>G on transcript NM_006885.4 (MANE Select); coding-DNA position 3839, A replaced by G.
Protein change: p.Asp1280Gly; replaces aspartic acid 1280 with glycine.
Molecular consequence: missense variant.
Genome position (GRCh38, 1-based): chr16:72,811,602, T>C on the plus strand (A>G on the coding strand, the complement: ZFHX3 is on the minus strand). VCF-style: chr16-72811602-T-C. GRCh37 (hg19) VCF-style: chr16-72845501-T-C.
Other names: c.1097A>G, p.Asp366Gly (NM_001164766.2); c.3839A>G, p.Asp1280Gly (NM_001386735.1); short protein forms D1280G, D366G.
Identifiers: ClinVar variation 5037375 (VCV005037375.1).

ClinVar aggregate classification (germline): Uncertain significance (1 of 4 stars; one submission).

Submission:

GeneDx
Classification: Uncertain significance. Last evaluated: 2026-04-17. Review status: criteria provided, single submitter. Criteria: GeneDx Variant Classification Process June 2021. Collection method: clinical testing. Allele origin: germline.
Comment: Not observed at significant frequency in large population cohorts (gnomAD); In silico analysis supports that this missense variant has a deleterious effect on protein structure/function; Has not been previously published as pathogenic or benign to our knowledge